The following is an entry in ClinVar:

NM_024577.4(SH3TC2):c.1135+3G>C

Gene: SH3TC2 (SH3 domain and tetratricopeptide repeats 2; minus strand). Cytogenetic location: 5q32.
Variant type: single nucleotide variant.
Coding change: c.1135+3G>C on transcript NM_024577.4 (MANE Select); 3 bases into the intron after coding-DNA position 1135, G replaced by C.
Molecular consequence: intron variant.
Genome position (GRCh38, 1-based): chr5:149,031,551, C>G on the plus strand (G>C on the coding strand, the complement: SH3TC2 is on the minus strand). VCF-style: chr5-149031551-C-G. GRCh37 (hg19) VCF-style: chr5-148411114-C-G.
Identifiers: ClinVar variation 418487 (VCV000418487.2), dbSNP rs1064793267, ClinGen allele CA16618136.

ClinVar aggregate classification (germline): Likely pathogenic (1 of 4 stars; one submission).

Submission:

GeneDx
Classification: Likely pathogenic. Last evaluated: 2014-06-16. Review status: criteria provided, single submitter. Criteria: GeneDx Variant Classification (06012015). Collection method: clinical testing. Allele origin: germline. Affected: yes.
Comment: The c.1135+3 G>C variant has not been published as pathogenic, nor has it been reported as a benign polymorphism to our knowledge. It was not observed in approximately 6,500 individuals of European and African American ancestry in an external variant database, indicating it is not a common benign variant in these populations. In-silico models predict that c.1135+3 G>C destroys the natural splice donor site in intron 9, which is expected to lead to abnormal gene splicing. However, in the absence of RNA/functional studies, the actual effect of the c.1135+3 G>C sequence change is not known. Therefore, based on the currently available information, this is a strong candidate for a pathogenic variant, however the possibility that it is a benign variant cannot be excluded.